The following is an entry in ClinVar:

ClinVar aggregate classification (germline): Benign (1 of 4 stars; one submission).

Allele frequency attached by ClinVar (database versions not stated): 1000 Genomes Project 0.02177; gnomAD 0.02239 and 0.02408; 1000 Genomes Project 30x 0.02264; TOPMed 0.02527.
gnomAD v4.1: 3,360 of 151,940 alleles (2.2%); highest among the groups gnomAD compares: African/African-American, 7.7%; 142 homozygotes.

Submission:

GeneDx
Classification: Benign. Last evaluated: 2018-06-16. Review status: criteria provided, single submitter. Criteria: GeneDx Variant Classification (06012015). Collection method: clinical testing. Allele origin: germline. Affected: yes.
Comment: This variant is considered likely benign or benign based on one or more of the following criteria: it is a conservative change, it occurs at a poorly conserved position in the protein, it is predicted to be benign by multiple in silico algorithms, and/or has population frequency not consistent with disease.

NM_005751.5(AKAP9):c.6765+303C>G

Gene: AKAP9 (A-kinase anchoring protein 9; plus strand). Cytogenetic location: 7q21.2.
Variant type: single nucleotide variant.
Coding change: c.6765+303C>G on transcript NM_005751.5 (MANE Select); 303 bases into the intron after coding-DNA position 6765, C replaced by G.
Molecular consequence: intron variant.
Genome position (GRCh38, 1-based): chr7:92,077,310, C>G. VCF-style: chr7-92077310-C-G. GRCh37 (hg19) VCF-style: chr7-91706624-C-G.
Other names: c.6741+303C>G (NM_147185.3); c.1410+303C>G (NM_001379277.1).
Identifiers: ClinVar variation 673462 (VCV000673462.1), dbSNP rs28694521, ClinGen allele CA161884345.